The following is an entry in ClinVar:

NM_000021.4(PSEN1):c.*10G>A

Gene: PSEN1 (presenilin 1; plus strand). Cytogenetic location: 14q24.2.
Variant type: single nucleotide variant.
Coding change: c.*10G>A on transcript NM_000021.4 (MANE Select); 10 bases downstream of the stop codon, G replaced by A.
Molecular consequence: 3 prime UTR variant.
Genome position (GRCh38, 1-based): chr14:73,219,299, G>A. VCF-style: chr14-73219299-G-A. GRCh37 (hg19) VCF-style: chr14-73686007-G-A.
Other names: c.*10G>A (NM_007318.3).
Identifiers: ClinVar variation 3033535 (VCV003033535.2), dbSNP rs368170929, ClinGen allele CA7256982.

ClinVar aggregate classification (germline): Likely benign (0 of 4 stars; one submission).

Conditions:
PSEN1-related disorder. Also called: PSEN1-related condition.

Allele frequency attached by ClinVar (database versions not stated): TOPMed 0.00001; gnomAD 0.00003; ExAC 0.00007; ESP Exome Variant Server 0.00015; 1000 Genomes Project 30x 0.00016; 1000 Genomes Project 0.00020.
gnomAD v4.1: 41 of 1,610,110 alleles (0.0025%); highest among the groups gnomAD compares: South Asian, 0.02%; no homozygotes.

Submission:

PreventionGenetics, part of Exact Sciences
Classification: Likely benign for PSEN1-related condition. Last evaluated: 2019-07-02. Review status: no assertion criteria provided. Collection method: clinical testing. Allele origin: germline.
Comment: This variant is classified as likely benign based on ACMG/AMP sequence variant interpretation guidelines (Richards et al. 2015 PMID: 25741868, with internal and published modifications).